The following is an entry in ClinVar:

NM_001614.5(ACTG1):c.802+7G>A

Gene: ACTG1 (actin gamma 1; minus strand). Cytogenetic location: 17q25.3.
Variant type: single nucleotide variant.
Coding change: c.802+7G>A on transcript NM_001614.5 (MANE Select); 7 bases into the intron after coding-DNA position 802, G replaced by A.
Molecular consequence: intron variant.
Genome position (GRCh38, 1-based): chr17:81,511,181, C>T on the plus strand (G>A on the coding strand, the complement: ACTG1 is on the minus strand). VCF-style: chr17-81511181-C-T. GRCh37 (hg19) VCF-style: chr17-79478207-C-T.
Other names: c.802+7G>A (NM_001199954.3).
Identifiers: ClinVar variation 3053075 (VCV003053075.4), dbSNP rs782219990, ClinGen allele CA628022560.

ClinVar aggregate classification (germline): Likely benign. Review status: criteria provided, single submitter (1 of 4 stars). 2 submissions from 2 submitters: Likely benign (1). 1 of the submissions does not count toward it. Last evaluated 2024-10-03.

Conditions:
ACTG1-related disorder. Also called: ACTG1-related disorders; ACTG1-related condition.
Autosomal dominant nonsyndromic hearing loss 20. Identifiers: Orphanet 90635, MedGen C1858172, MONDO:0011480, OMIM 604717.
Baraitser-winter syndrome 2. Identifiers: Orphanet 2995, MedGen C3281235, MONDO:0013812, OMIM 614583.

Allele frequency attached by ClinVar (database versions not stated): TOPMed below 0.00001.
gnomAD v4.1: 3 of 1,613,702 alleles (0.00019%); highest among the groups gnomAD compares: South Asian, 0.0011%; no homozygotes.

Submissions (2):

Labcorp Genetics (formerly Invitae), Labcorp
Classification: Likely benign for Baraitser-winter syndrome 2; Autosomal dominant nonsyndromic hearing loss 20. Last evaluated: 2024-10-03. Review status: criteria provided, single submitter. Criteria: Invitae Variant Classification Sherloc (09022015). Collection method: clinical testing. Allele origin: germline.

PreventionGenetics, part of Exact Sciences
Classification: Likely benign for ACTG1-related condition. Last evaluated: 2019-08-28. Review status: no assertion criteria provided. Collection method: clinical testing. Allele origin: germline. Not counted in ClinVar's aggregate classification.
Comment: This variant is classified as likely benign based on ACMG/AMP sequence variant interpretation guidelines (Richards et al. 2015 PMID: 25741868, with internal and published modifications).